The following is an entry in ClinVar:

NM_001099850.2(PRAMEF18):c.1149= (p.Cys383=)

Gene: PRAMEF18 (PRAME family member 18; minus strand). Cytogenetic location: 1p36.21.
Variant type: Variation.
Coding change: c.1149= on transcript NM_001099850.2 (MANE Select); coding-DNA position 1149, no change from the reference sequence.
Protein change: p.Cys383=; no amino-acid change (cysteine 383 retained).
Molecular consequence: no sequence alteration.
Genome position: GRCh38 VCF-style: chr1-13223623-A-A. GRCh37 (hg19) VCF-style: chr1-13474980-G-A.
Identifiers: ClinVar variation 4533801 (VCV004533801.6).

ClinVar aggregate classification (germline): Likely benign (1 of 4 stars; one submission).

Submission:

CeGaT Center for Human Genetics Tuebingen
Classification: Likely benign. Last evaluated: 2025-10-01. Review status: criteria provided, single submitter. Criteria: CeGaT Center For Human Genetics Tuebingen Variant Classification Criteria Version 2. Collection method: clinical testing. Allele origin: germline. Affected: yes. Observed: 1 variant allele.
Comment: PRAMEF18: PM2:Supporting, BP4, BP7